The following is an entry in ClinVar:

ClinVar aggregate classification (germline): Benign/Likely benign. Review status: criteria provided, multiple submitters, no conflicts (2 of 4 stars). 8 submissions from 8 submitters: Benign (3); Likely benign (3). 2 of the submissions do not count toward it. Last evaluated 2025-12-24.

Conditions:
Arrhythmogenic right ventricular dysplasia 5. Also called: Arrhythmogenic Right Ventricular Dysplasia/Cardiomyopathy 5; ARRHYTHMOGENIC RIGHT VENTRICULAR DYSPLASIA, FAMILIAL, 5. Identifiers: MedGen C1858379, MONDO:0011459, OMIM 604400.
Cardiomyopathy (CMYO). Also called: Cardiomyopathies. Identifiers: Orphanet 167848, MedGen C0878544, MONDO:0004994, HP:0001638. Inheritance: Various modes of inheritance.
Cardiovascular phenotype. Identifiers: MedGen CN230736.

Allele frequency attached by ClinVar (database versions not stated): gnomAD 0.00001 and 0.00002; TOPMed 0.00003; ExAC 0.00006; ESP Exome Variant Server 0.00008.
gnomAD v4.1: 47 of 1,613,404 alleles (0.0029%); highest among the groups gnomAD compares: Admixed American, 0.018%; no homozygotes.

Submissions (8):

Labcorp Genetics (formerly Invitae), Labcorp
Classification: Likely benign for Arrhythmogenic right ventricular dysplasia 5. Last evaluated: 2025-12-24. Review status: criteria provided, single submitter. Criteria: Invitae Variant Classification Sherloc (09022015). Collection method: clinical testing. Allele origin: germline.

All of Us Research Program, National Institutes of Health
Classification: Benign for Arrhythmogenic right ventricular dysplasia 5. Last evaluated: 2023-11-28. Review status: criteria provided, single submitter. Criteria: ACMG Guidelines, 2015. Collection method: clinical testing. Allele origin: germline. Inheritance: Autosomal dominant inheritance. Observed: 6 variant alleles, 6 heterozygotes.
Comment: This study involves interpretation of variants in research participants for the purpose of population health screening. Participant phenotype was not available at the time of variant classification. Additional details can be found in publication PMID: 35346344, PMCID: PMC8962531

Blueprint Genetics
Classification: Likely benign. Last evaluated: 2023-03-07. Review status: criteria provided, single submitter. Criteria: ACMG Guidelines, 2015. Collection method: clinical testing. Allele origin: germline.

Ambry Genetics
Classification: Benign for Cardiovascular phenotype. Last evaluated: 2021-09-21. Review status: criteria provided, single submitter. Criteria: Ambry Variant Classification Scheme 2023. Collection method: clinical testing. Allele origin: germline.

Color Diagnostics, LLC DBA Color Health
Classification: Benign for Cardiomyopathy. Last evaluated: 2019-12-23. Review status: criteria provided, single submitter. Criteria: ACMG Guidelines, 2015. Collection method: clinical testing. Allele origin: germline.

GeneDx
Classification: Likely benign. Last evaluated: 2017-11-02. Review status: criteria provided, single submitter. Criteria: GeneDx Variant Classification (06012015). Collection method: clinical testing. Allele origin: germline. Affected: yes.
Comment: This variant is considered likely benign or benign based on one or more of the following criteria: it is a conservative change, it occurs at a poorly conserved position in the protein, it is predicted to be benign by multiple in silico algorithms, and/or has population frequency not consistent with disease.

Clinical Genetics, Academic Medical Center
Classification: Benign. Review status: no assertion criteria provided. Collection method: clinical testing. Allele origin: germline. Affected: yes. Study: VKGL Data-share Consensus. Not counted in ClinVar's aggregate classification.

Joint Genome Diagnostic Labs from Nijmegen and Maastricht, Radboudumc and MUMC+
Classification: Likely benign. Review status: no assertion criteria provided. Collection method: clinical testing. Allele origin: germline. Affected: yes. Study: VKGL Data-share Consensus. Not counted in ClinVar's aggregate classification.

NM_024334.3(TMEM43):c.246G>A (p.Pro82=)

Gene: TMEM43 (transmembrane protein 43; plus strand). Cytogenetic location: 3p25.1.
Variant type: single nucleotide variant.
Coding change: c.246G>A on transcript NM_024334.3 (MANE Select); coding-DNA position 246, G replaced by A.
Protein change: p.Pro82=; no amino-acid change (proline 82 retained).
Molecular consequence: synonymous variant.
Genome position (GRCh38, 1-based): chr3:14,130,905, G>A. VCF-style: chr3-14130905-G-A. GRCh37 (hg19) VCF-style: chr3-14172405-G-A.
Identifiers: ClinVar variation 343502 (VCV000343502.21), dbSNP rs376098518, ClinGen allele CA052356.